The following is an entry in ClinVar:

ClinVar aggregate classification (germline): Uncertain significance (1 of 4 stars; one submission).

Conditions:
Cardiovascular phenotype. Identifiers: MedGen CN230736.

gnomAD v4.1: 1 of 1,614,020 alleles (0.000062%); highest among the groups gnomAD compares: Non-Finnish European, 0.000085%; no homozygotes.

Submission:

Ambry Genetics
Classification: Uncertain significance for Cardiovascular phenotype. Last evaluated: 2024-06-30. Review status: criteria provided, single submitter. Criteria: Ambry Variant Classification Scheme 2023. Collection method: clinical testing. Allele origin: germline.
Comment: The p.M3649K variant (also known as c.10946T>A), located in coding exon 41 of the ANK2 gene, results from a T to A substitution at nucleotide position 10946. The methionine at codon 3649 is replaced by lysine, an amino acid with similar properties. This amino acid position is conserved. In addition, this alteration is predicted to be deleterious by in silico analysis. Based on the available evidence, the clinical significance of this variant remains unclear.

NM_001148.6(ANK2):c.10946T>A (p.Met3649Lys)

Gene: ANK2 (ankyrin 2; plus strand). Cytogenetic location: 4q26.
Variant type: single nucleotide variant.
Coding change: c.10946T>A on transcript NM_001148.6 (MANE Select); coding-DNA position 10946, T replaced by A.
Protein change: p.Met3649Lys; replaces methionine 3649 with lysine.
Molecular consequence: missense variant.
Genome position (GRCh38, 1-based): chr4:113,365,096, T>A. VCF-style: chr4-113365096-T-A. GRCh37 (hg19) VCF-style: chr4-114286252-T-A.
Other names: c.4664T>A, p.Met1555Lys (NM_001127493.3); c.4703T>A, p.Met1568Lys (NM_001354225.2); c.4592T>A, p.Met1531Lys (NM_001354228.2, NM_001354258.2); c.4670T>A, p.Met1557Lys (NM_001354230.2); c.4733T>A, p.Met1578Lys (NM_001354231.2, NM_001354242.2); c.4727T>A, p.Met1576Lys (NM_001354232.2); c.4688T>A, p.Met1563Lys (NM_001354235.2, NM_001354246.2, NM_001354265.2); c.4589T>A, p.Met1530Lys (NM_001354236.2); and 35 more; short protein forms M1489K, M1491K, M1493K, M1519K, M1543K, M1557K, M1576K, M1436K.
Identifiers: ClinVar variation 3539334 (VCV003539334.1).